The following is an entry in ClinVar:

ClinVar aggregate classification (germline): Uncertain significance (1 of 4 stars; one submission).

Conditions:
Cardiovascular phenotype. Identifiers: MedGen CN230736.

Submission:

Ambry Genetics
Classification: Uncertain significance for Cardiovascular phenotype. Last evaluated: 2022-12-11. Review status: criteria provided, single submitter. Criteria: Ambry Variant Classification Scheme 2023. Collection method: clinical testing. Allele origin: germline.
Comment: The p.E1653K variant (also known as c.4957G>A), located in coding exon 23 of the DSP gene, results from a G to A substitution at nucleotide position 4957. The glutamic acid at codon 1653 is replaced by lysine, an amino acid with similar properties. This amino acid position is conserved. In addition, this alteration is predicted to be tolerated by in silico analysis. Since supporting evidence is limited at this time, the clinical significance of this alteration remains unclear.

NM_004415.4(DSP):c.4957G>A (p.Glu1653Lys)

Gene: DSP (desmoplakin; plus strand). Cytogenetic location: 6p24.3.
Variant type: single nucleotide variant.
Coding change: c.4957G>A on transcript NM_004415.4 (MANE Select); coding-DNA position 4957, G replaced by A.
Protein change: p.Glu1653Lys; replaces glutamic acid 1653 with lysine.
Molecular consequence: missense variant. On other transcripts: intron variant (2).
Genome position (GRCh38, 1-based): chr6:7,581,147, G>A. VCF-style: chr6-7581147-G-A. GRCh37 (hg19) VCF-style: chr6-7581380-G-A.
Other names: c.4050+907G>A (NM_001319034.2); c.3582+1375G>A (NM_001008844.3); short protein forms E1653K.
Identifiers: ClinVar variation 2453244 (VCV002453244.2), dbSNP rs2533931066, ClinGen allele CA362687531.